The following is an entry in ClinVar:

NM_004006.3(DMD):c.3301A>G (p.Ile1101Val)

Gene: DMD (dystrophin; minus strand). Cytogenetic location: Xp21.1.
Variant type: single nucleotide variant.
Coding change: c.3301A>G on transcript NM_004006.3 (MANE Select); coding-DNA position 3301, A replaced by G.
Protein change: p.Ile1101Val; replaces isoleucine 1101 with valine.
Molecular consequence: missense variant.
Genome position (GRCh38, 1-based): chrX:32,463,570, T>C on the plus strand (A>G on the coding strand, the complement: DMD is on the minus strand). VCF-style: chrX-32463570-T-C. GRCh37 (hg19) VCF-style: chrX-32481687-T-C.
Other names: c.2932A>G, p.Ile978Val (NM_004010.3); c.3277A>G, p.Ile1093Val (NM_000109.4); c.3289A>G, p.Ile1097Val (NM_004009.3); short protein forms I1093V, I1097V, I1101V, I978V.
Identifiers: ClinVar variation 3631778 (VCV003631778.2).

ClinVar aggregate classification (germline): Uncertain significance (1 of 4 stars; one submission).

Conditions:
Duchenne muscular dystrophy (DMD). Also called: MUSCULAR DYSTROPHY, PSEUDOHYPERTROPHIC PROGRESSIVE, DUCHENNE TYPE; Duchenne Muscular Dystrophy (DMD). Identifiers: Orphanet 98896, MedGen C0013264, MONDO:0010679, OMIM 310200.

gnomAD v4.1: 1 of 1,187,452 alleles (0.000084%); highest among the groups gnomAD compares: Non-Finnish European, 0.00011%; no homozygotes.

Submission:

Labcorp Genetics (formerly Invitae), Labcorp
Classification: Uncertain significance for Duchenne muscular dystrophy. Last evaluated: 2024-09-26. Review status: criteria provided, single submitter. Criteria: Invitae Variant Classification Sherloc (09022015). Collection method: clinical testing. Allele origin: germline.
Comment: This sequence change replaces isoleucine, which is neutral and non-polar, with valine, which is neutral and non-polar, at codon 1101 of the DMD protein (p.Ile1101Val). The frequency data for this variant in the population databases is considered unreliable, as metrics indicate poor data quality at this position in the gnomAD database. This variant has not been reported in the literature in individuals affected with DMD-related conditions. Invitae Evidence Modeling of protein sequence and biophysical properties (such as structural, functional, and spatial information, amino acid conservation, physicochemical variation, residue mobility, and thermodynamic stability) indicates that this missense variant is not expected to disrupt DMD protein function with a negative predictive value of 95%. In summary, the available evidence is currently insufficient to determine the role of this variant in disease. Therefore, it has been classified as a Variant of Uncertain Significance.